The following is an entry in ClinVar:

ClinVar aggregate classification (germline): Likely pathogenic (1 of 4 stars; one submission).

Conditions:
Osteoporosis. Identifiers: MedGen C0029456, MONDO:0005298, OMIM 166710, HP:0000939.
Osteogenesis imperfecta, perinatal lethal (OI2). Also called: OI, TYPE II; OSTEOGENESIS IMPERFECTA CONGENITA; VROLIK TYPE OF OSTEOGENESIS IMPERFECTA; OSTEOGENESIS IMPERFECTA, TYPE II; Osteogenesis imperfecta, dominant perinatal lethal; Osteogenesis imperfecta type 2. Identifiers: Orphanet 216804, MedGen C0268358, MONDO:0008147, OMIM 166210.
Osteogenesis imperfecta type III (OI3). Also called: Progressively Deforming Osteogenesis Imperfecta; Osteogenesis imperfecta type 3; OI type 3; Osteogenesis imperfecta, progressively deforming with normal sclerae; OI type III. Identifiers: Orphanet 216812, Orphanet 666, MedGen C0268362, MONDO:0009804, OMIM 259420.
Combined osteogenesis imperfecta and Ehlers-Danlos syndrome 2. Also called: OIEDS SYNDROME 2. Identifiers: MedGen C5436847, MONDO:0030855, OMIM 619120.
Osteogenesis imperfecta with normal sclerae, dominant form (OI4). Also called: OSTEOGENESIS IMPERFECTA WITH NORMAL SCLERAE; Osteogenesis imperfecta type 4; Common Variable Osteogenesis Imperfecta with Normal Sclerae; OSTEOGENESIS IMPERFECTA, TYPE IV, WITH DENTINOGENESIS IMPERFECTA; Osteogenesis Imperfecta Type IV. Identifiers: Orphanet 216820, Orphanet 666, MedGen C0268363, MONDO:0008148, OMIM 166220.
Ehlers-Danlos syndrome, cardiac valvular type. Identifiers: Orphanet 230851, MedGen C4303789, MONDO:0009159, OMIM 225320.
Ehlers-Danlos syndrome, arthrochalasia type, 2. Also called: EHLERS-DANLOS SYNDROME, TYPE VIIB, AUTOSOMAL DOMINANT. Identifiers: MedGen CN293783, MONDO:0040501, OMIM 617821.

Submission:

Juno Genomics, Hangzhou Juno Genomics, Inc
Classification: Likely pathogenic for Osteoporosis; Combined osteogenesis imperfecta and Ehlers-Danlos syndrome 2; Ehlers-Danlos syndrome, arthrochalasia type, 2; Ehlers-Danlos syndrome, cardiac valvular type; Osteogenesis imperfecta, perinatal lethal; Osteogenesis imperfecta type III; Osteogenesis imperfecta with normal sclerae, dominant form. Review status: criteria provided, single submitter. Criteria: ACMG Guidelines, 2015. Collection method: clinical testing. Allele origin: germline. Affected: yes.
Comment: Absent from controls (or at extremely low frequency if recessive) in Genome Aggregation Database, Exome Sequencing Project, 1000 Genomes Project, or Exome Aggregation Consortium.;De novo (both maternity and paternity confirmed) in a patient with the disease and no family history.;Multiple lines of computational evidence support a deleterious effect on the gene or gene product (conservation, evolutionary, splicing impact, etc).;Located in a mutational hot spot and/or critical and well-established functional domain (e.g. active site of an enzyme) without benign variation.;Missense variant in a gene that has a low rate of benign missense variation and where missense variants are a common mechanism of disease.

NM_000089.4(COL1A2):c.1630G>C (p.Gly544Arg)

Gene: COL1A2 (collagen type I alpha 2 chain; plus strand). Cytogenetic location: 7q21.3.
Variant type: single nucleotide variant.
Coding change: c.1630G>C on transcript NM_000089.4 (MANE Select); coding-DNA position 1630, G replaced by C.
Protein change: p.Gly544Arg; replaces glycine 544 with arginine.
Molecular consequence: missense variant.
Genome position (GRCh38, 1-based): chr7:94,413,912, G>C. VCF-style: chr7-94413912-G-C. GRCh37 (hg19) VCF-style: chr7-94043224-G-C.
Other names: short protein forms G544R.
Identifiers: ClinVar variation 4796610 (VCV004796610.1).